The following is an entry in ClinVar:

NM_024642.5(GALNT12):c.619G>A (p.Gly207Ser)

Gene: GALNT12 (polypeptide N-acetylgalactosaminyltransferase 12; plus strand). Cytogenetic location: 9q22.33.
Variant type: single nucleotide variant.
Coding change: c.619G>A on transcript NM_024642.5 (MANE Select); coding-DNA position 619, G replaced by A.
Protein change: p.Gly207Ser; replaces glycine 207 with serine.
Molecular consequence: missense variant.
Genome position (GRCh38, 1-based): chr9:98,826,829, G>A. VCF-style: chr9-98826829-G-A. GRCh37 (hg19) VCF-style: chr9-101589111-G-A.
Other names: short protein forms G207S.
Identifiers: ClinVar variation 2566253 (VCV002566253.3), dbSNP rs2490501834, ClinGen allele CA374217534.

ClinVar aggregate classification (germline): Uncertain significance (1 of 4 stars; one submission).

gnomAD v4.1: 1 of 1,611,696 alleles (0.000062%); highest among the groups gnomAD compares: Non-Finnish European, 0.000085%; no homozygotes.

Submission:

Ambry Genetics
Classification: Uncertain significance. Last evaluated: 2025-07-07. Review status: criteria provided, single submitter. Criteria: Ambry Variant Classification Scheme 2023. Collection method: clinical testing. Allele origin: germline.
Comment: The p.G207S variant (also known as c.619G>A), located in coding exon 3 of the GALNT12 gene, results from a G to A substitution at nucleotide position 619. The glycine at codon 207 is replaced by serine, an amino acid with similar properties. This amino acid position is conserved. In addition, this alteration is predicted to be deleterious by in silico analysis. Since supporting evidence is limited at this time, the clinical significance of this alteration remains unclear.